The following is an entry in ClinVar:

NM_017950.4(CCDC40):c.2832+466_2832+467del

Gene: CCDC40 (coiled-coil domain 40 molecular ruler complex subunit; plus strand). Cytogenetic location: 17q25.3.
Variant type: Deletion.
Coding change: c.2832+466_2832+467del on transcript NM_017950.4 (MANE Select); bases 466 to 467 of the intron after coding-DNA position 2832, 2 bases deleted (AC; older notation c.2832+466_2832+467delAC).
Molecular consequence: intron variant. On other transcripts: frameshift variant (1).
Genome position (GRCh38, 1-based): chr17:80,090,350-80,090,351, AC deleted. VCF-style (leftmost placement, unchanged base first): chr17-80090349-GAC-G. GRCh37 (hg19) VCF-style: chr17-78064148-GAC-G.
Other names: c.3044_3045del, p.Asp1015fs (NM_001243342.2); short protein forms D1015fs.
Identifiers: ClinVar variation 1686546 (VCV001686546.26), dbSNP rs570440845, ClinGen allele CA8814484.

ClinVar aggregate classification (germline): Conflicting classifications of pathogenicity. Review status: criteria provided, conflicting classifications (1 of 4 stars). 3 submissions from 3 submitters: Uncertain significance (2); Likely benign (1). Last evaluated 2023-02-01.

Allele frequency attached by ClinVar (database versions not stated): 1000 Genomes Project 0.00260; gnomAD exomes 0.00416 and 0.01363; TOPMed 0.00442; ExAC 0.00504; gnomAD 0.00595 and 0.00603.

Submissions (3):

CeGaT Center for Human Genetics Tuebingen
Classification: Likely benign. Last evaluated: 2023-02-01. Review status: criteria provided, single submitter. Criteria: CeGaT Center For Human Genetics Tuebingen Variant Classification Criteria Version 2. Collection method: clinical testing. Allele origin: germline. Affected: yes. Observed: 2 variant alleles.
Comment: CCDC40: BS2

Mendelics
Classification: Uncertain significance. Last evaluated: 2022-05-04. Review status: criteria provided, single submitter. Criteria: Mendelics Assertion Criteria 2019. Collection method: clinical testing. Allele origin: germline.

Breakthrough Genomics
Classification: Uncertain significance. Review status: criteria provided, single submitter. Criteria: ACMG Guidelines, 2015. Collection method: not provided. Allele origin: germline. Inheritance: Autosomal recessive inheritance. Affected: yes.